The following is an entry in ClinVar:

NM_000077.5(CDKN2A):c.7C>T (p.Pro3Ser)

Genes: CDKN2A (cyclin dependent kinase inhibitor 2A; minus strand), LOC130001603 (ATAC-STARR-seq lymphoblastoid silent region 19811; plus strand). Cytogenetic location: 9p21.3.
Variant type: single nucleotide variant.
Coding change: c.7C>T on transcript NM_000077.5; coding-DNA position 7, C replaced by T.
Protein change: p.Pro3Ser; replaces proline 3 with serine.
Molecular consequence: missense variant (on NM_000077.6). On other transcripts: intron variant (2).
Genome position (GRCh38, 1-based): chr9:21,974,821, G>A on the plus strand (C>T on the coding strand, the complement: CDKN2A is on the minus strand). VCF-style: chr9-21974821-G-A. GRCh37 (hg19) VCF-style: chr9-21974820-G-A.
Other names: c.7C>T, p.Pro3Ser (NM_000077.6, NM_001195132.2, NM_058197.5); c.-3-3613C>T (NM_001363763.2); c.194-3613C>T (NM_058195.4); short protein forms P3S.
Identifiers: ClinVar variation 532281 (VCV000532281.8), dbSNP rs947790209, ClinGen allele CA190733132.

ClinVar aggregate classification (germline): Conflicting classifications of pathogenicity. Review status: criteria provided, conflicting classifications (1 of 4 stars). 2 submissions from 2 submitters: Uncertain significance (1); Likely benign (1). Last evaluated 2026-01-14.

Conditions:
Familial melanoma. Also called: Hereditary melanoma; Hereditary cutaneous melanoma. Identifiers: Orphanet 618, MedGen C1512419, MONDO:0018961.
Hereditary cancer-predisposing syndrome. Also called: Hereditary neoplastic syndrome; Tumor predisposition; Neoplastic Syndromes, Hereditary; Hereditary Cancer Syndrome. Identifiers: Orphanet 140162, MedGen C0027672, MeSH D009386, MONDO:0015356.

Allele frequency attached by ClinVar (database versions not stated): gnomAD 0.00001; TOPMed 0.00001.
gnomAD v4.1: 3 of 1,591,586 alleles (0.00019%); highest among the groups gnomAD compares: East Asian, 0.0045%; no homozygotes.

Submissions (2):

Labcorp Genetics (formerly Invitae), Labcorp
Classification: Uncertain significance for Familial melanoma. Last evaluated: 2026-01-14. Review status: criteria provided, single submitter. Criteria: Invitae Variant Classification Sherloc (09022015). Collection method: clinical testing. Allele origin: germline.
Comment: This sequence change replaces proline, which is neutral and non-polar, with serine, which is neutral and polar, at codon 3 of the CDKN2A (p16INK4a) protein (p.Pro3Ser). The frequency data for this variant in the population databases is considered unreliable, as metrics indicate poor data quality at this position in the gnomAD database. This variant has not been reported in the literature in individuals affected with CDKN2A (p16INK4a)-related conditions. ClinVar contains an entry for this variant (Variation ID: 532281). An algorithm developed to predict the effect of missense changes on protein structure and function (PolyPhen-2) suggests that this variant is likely to be tolerated. In summary, the available evidence is currently insufficient to determine the role of this variant in disease. Therefore, it has been classified as a Variant of Uncertain Significance.

Ambry Genetics
Classification: Likely benign for Hereditary cancer-predisposing syndrome. Last evaluated: 2024-06-18. Review status: criteria provided, single submitter. Criteria: Ambry Variant Classification Scheme 2023. Collection method: clinical testing. Allele origin: germline.